The following is an entry in ClinVar:

NM_001165963.4(SCN1A):c.5222G>A (p.Cys1741Tyr)

Genes: SCN1A (sodium voltage-gated channel alpha subunit 1; minus strand), LOC102724058 (uncharacterized LOC102724058; plus strand). Cytogenetic location: 2q24.3.
Variant type: single nucleotide variant.
Coding change: c.5222G>A on transcript NM_001165963.4 (MANE Select); coding-DNA position 5222, G replaced by A.
Protein change: p.Cys1741Tyr; replaces cysteine 1741 with tyrosine.
Molecular consequence: missense variant. On other transcripts: non-coding transcript variant (1).
Genome position (GRCh38, 1-based): chr2:165,992,053, C>T on the plus strand (G>A on the coding strand, the complement: SCN1A is on the minus strand). VCF-style: chr2-165992053-C-T. GRCh37 (hg19) VCF-style: chr2-166848563-C-T.
Other names: p.C1741Y:TGT>TAT; c.5138G>A, p.Cys1713Tyr (NM_001165964.3, NM_001353957.2, NM_001353958.2); c.5222G>A, p.Cys1741Tyr (NM_001202435.3, NM_001353948.2); c.5189G>A, p.Cys1730Tyr (NM_001353949.2, NM_001353950.2, NM_001353951.2 and 2 more transcripts); c.5186G>A, p.Cys1729Tyr (NM_001353954.2, NM_001353955.2); c.5135G>A, p.Cys1712Tyr (NM_001353960.2); c.2780G>A, p.Cys927Tyr (NM_001353961.2); short protein forms C1730Y, C1741Y, C1712Y, C927Y, C1713Y, C1729Y.
Identifiers: ClinVar variation 189926 (VCV000189926.7), dbSNP rs794726763, ClinGen allele CA303327.

ClinVar aggregate classification (germline): Pathogenic. Review status: criteria provided, multiple submitters, no conflicts (2 of 4 stars). 3 submissions from 3 submitters: Pathogenic (3). Last evaluated 2023-08-30.

Conditions:
Early-infantile DEE. Also called: Early infantile epileptic encephalopathy; Ohtahara syndrome; Early infantile epileptic encephalopathy with suppression bursts. Identifiers: Orphanet 1934, MedGen C0393706, MONDO:0800491.
Severe myoclonic epilepsy in infancy (DRVT). Also called: Epileptic encephalopathy, early infantile, 6 (Dravet syndrome); SEVERE MYOCLONIC EPILEPSY OF INFANCY; DEVELOPMENTAL AND EPILEPTIC ENCEPHALOPATHY 6A; Severe Myoclonic Epilepsy in Infancy (SMEI); Dravet syndrome. Identifiers: Orphanet 33069, MedGen C0751122, MONDO:0100135, OMIM 607208.

Submissions (3):

Labcorp Genetics (formerly Invitae), Labcorp
Classification: Pathogenic for Early-infantile DEE. Last evaluated: 2023-08-30. Review status: criteria provided, single submitter. Criteria: Invitae Variant Classification Sherloc (09022015). Collection method: clinical testing. Allele origin: germline.
Comment: For these reasons, this variant has been classified as Pathogenic. This variant disrupts the p.Cys1741 amino acid residue in SCN1A. Other variant(s) that disrupt this residue have been determined to be pathogenic (PMID: 23934111). This suggests that this residue is clinically significant, and that variants that disrupt this residue are likely to be disease-causing. Advanced modeling of protein sequence and biophysical properties (such as structural, functional, and spatial information, amino acid conservation, physicochemical variation, residue mobility, and thermodynamic stability) performed at Invitae indicates that this missense variant is expected to disrupt SCN1A protein function. ClinVar contains an entry for this variant (Variation ID: 189926). This missense change has been observed in individual(s) with clinical features of SCN1A-related conditions and/or Dravet syndrome (PMID: 26096185, 29655203). In at least one individual the variant was observed to be de novo. This variant is not present in population databases (gnomAD no frequency). This sequence change replaces cysteine, which is neutral and slightly polar, with tyrosine, which is neutral and polar, at codon 1741 of the SCN1A protein (p.Cys1741Tyr).

Center for Bioinformatics, Peking University
Classification: Pathogenic for Dravet syndrome. Last evaluated: 2014-12-20. Review status: criteria provided, single submitter. Criteria: Xu et al. (Hum Mutat. 2015). Collection method: research. Allele origin: de novo. Affected: yes. Observed: 1 variant allele. Study: University Clinical Cooperation “985 Project” PKU-2014-1-1.
Comment: Dravet syndrome (DS) probands were recruited from the outpatient and inpatient child neurology units of Peking University First Hospital from 2005 till present. The study was approved by the Ethics Committee of Peking University First Hospital and the Institutional Review Board at Peking University. Participants or their parents provided written informed consent before enrollment. We collected a total of 267 mutations from 255 families with probands diagnosed with DS in China. All probands fulfilled the clinical diagnostic criteria.

GeneDx
Classification: Pathogenic. Last evaluated: 2013-05-03. Review status: criteria provided, single submitter. Criteria: GeneDx Variant Classification (06012015). Collection method: clinical testing. Allele origin: germline. Affected: yes.
Comment: p.Cys1741Tyr (TGT>TAT): c.5222 G>A in exon 26 of the SCN1A gene (NM_001165963.1). The Cys1741Tyr missense change has not been published as a mutation, nor has it been reported as a benign polymorphism to our knowledge. It was not observed in approximately 6,500 individuals of European and African American ancestry in the NHLBI Exome Sequencing Project, indicating it is not a common benign variant in these populations. Although Cysteine and Tyrosine are both uncharged, polar amino acids, the loss of Cysteine residue may affected disulfide bond formation in the protein. Cys1741Tyr alters a highly conserved position in the pore loop between the S5 and S6 segments of the fourth transmembrane domain, and a different missense substitution at the same position (Cys1741Arg) was reported as a de novo mutation in a patient with Dravet syndrome (Wang et al., 2012). Additionally, multiple in silico algorithms predict Cys1741Tyr is damaging to protein structure/function. Therefore, Cys1741Tyr is considered a disease-causing mutation. The variant is found in EPILEPSY panel(s).

Literature cited by the submitters: PubMed 23934111 (cited by Labcorp Genetics (formerly Invitae), Labcorp); PubMed 26096185 (cited by Labcorp Genetics (formerly Invitae), Labcorp); PubMed 29655203 (cited by Labcorp Genetics (formerly Invitae), Labcorp).